The following is an entry in ClinVar:

NM_015662.3(IFT172):c.1669A>C (p.Arg557=)

Gene: IFT172 (intraflagellar transport 172; minus strand). Cytogenetic location: 2p23.3.
Variant type: single nucleotide variant.
Coding change: c.1669A>C on transcript NM_015662.3 (MANE Select); coding-DNA position 1669, A replaced by C.
Protein change: p.Arg557=; no amino-acid change (arginine 557 retained).
Molecular consequence: synonymous variant.
Genome position (GRCh38, 1-based): chr2:27,470,951, T>G on the plus strand (A>C on the coding strand, the complement: IFT172 is on the minus strand). VCF-style: chr2-27470951-T-G. GRCh37 (hg19) VCF-style: chr2-27693818-T-G.
Other names: c.1603A>C, p.Arg535= (NM_001410739.1).
Identifiers: ClinVar variation 4994958 (VCV004994958.1).

ClinVar aggregate classification (germline): Likely benign (1 of 4 stars; one submission).

Conditions:
IFT172-related disorder. Also called: IFT172-related condition; IFT172-related disorders.

Submission:

PreventionGenetics, part of Exact Sciences
Classification: Likely benign for IFT172-related condition. Last evaluated: 2026-02-05. Review status: criteria provided, single submitter. Criteria: ACMG Guidelines, 2015. Collection method: clinical testing. Allele origin: germline.
Comment: This variant is classified as likely benign based on ACMG/AMP sequence variant interpretation guidelines (Richards et al. 2015 PMID: 25741868, with internal and published modifications).